The following is an entry in ClinVar:

ClinVar aggregate classification (germline): Uncertain significance (1 of 4 stars; one submission).

Conditions:
Bardet-Biedl syndrome (BBS). Identifiers: Orphanet 110, MedGen C0752166, MONDO:0015229.

Submission:

Labcorp Genetics (formerly Invitae), Labcorp
Classification: Uncertain significance for Bardet-Biedl syndrome. Last evaluated: 2024-10-08. Review status: criteria provided, single submitter. Criteria: Invitae Variant Classification Sherloc (09022015). Collection method: clinical testing. Allele origin: germline.
Comment: This sequence change replaces glycine, which is neutral and non-polar, with aspartic acid, which is acidic and polar, at codon 389 of the WDPCP protein (p.Gly389Asp). This variant is not present in population databases (gnomAD no frequency). This variant has not been reported in the literature in individuals affected with WDPCP-related conditions. ClinVar contains an entry for this variant (Variation ID: 662878). Invitae Evidence Modeling of protein sequence and biophysical properties (such as structural, functional, and spatial information, amino acid conservation, physicochemical variation, residue mobility, and thermodynamic stability) indicates that this missense variant is not expected to disrupt WDPCP protein function with a negative predictive value of 80%. In summary, the available evidence is currently insufficient to determine the role of this variant in disease. Therefore, it has been classified as a Variant of Uncertain Significance.

NM_015910.7(WDPCP):c.1166G>A (p.Gly389Asp)

Gene: WDPCP (WD repeat containing planar cell polarity effector; minus strand). Cytogenetic location: 2p15.
Variant type: single nucleotide variant.
Coding change: c.1166G>A on transcript NM_015910.7 (MANE Select); coding-DNA position 1166, G replaced by A.
Protein change: p.Gly389Asp; replaces glycine 389 with aspartic acid.
Molecular consequence: missense variant. On other transcripts: non-coding transcript variant (3).
Genome position (GRCh38, 1-based): chr2:63,404,317, C>T on the plus strand (G>A on the coding strand, the complement: WDPCP is on the minus strand). VCF-style: chr2-63404317-C-T. GRCh37 (hg19) VCF-style: chr2-63631452-C-T.
Other names: c.689G>A, p.Gly230Asp (NM_001042692.3); c.1094G>A, p.Gly365Asp (NM_001354044.2); c.1166G>A, p.Gly389Asp (NM_001354045.2); short protein forms G365D, G230D, G389D.
Identifiers: ClinVar variation 662878 (VCV000662878.8), dbSNP rs1575343526, ClinGen allele CA347065000.